The following is an entry in ClinVar:

ClinVar aggregate classification (germline): Uncertain significance (1 of 4 stars; one submission).

Allele frequency attached by ClinVar (database versions not stated): gnomAD exomes below 0.00001.
gnomAD v4.1: 1 of 1,613,806 alleles (0.000062%); highest among the groups gnomAD compares: Non-Finnish European, 0.000085%; no homozygotes.

Submission:

Labcorp Genetics (formerly Invitae), Labcorp
Classification: Uncertain significance. Last evaluated: 2021-09-19. Review status: criteria provided, single submitter. Criteria: Invitae Variant Classification Sherloc (09022015). Collection method: clinical testing. Allele origin: germline.
Comment: In summary, the available evidence is currently insufficient to determine the role of this variant in disease. Therefore, it has been classified as a Variant of Uncertain Significance. Algorithms developed to predict the effect of sequence changes on RNA splicing suggest that this variant may create or strengthen a splice site. Algorithms developed to predict the effect of missense changes on protein structure and function are either unavailable or do not agree on the potential impact of this missense change (SIFT: "Deleterious"; PolyPhen-2: "Probably Damaging"; Align-GVGD: "Class C0"). This variant has not been reported in the literature in individuals affected with TTC37-related conditions. This variant is not present in population databases (ExAC no frequency). This sequence change replaces asparagine with aspartic acid at codon 1239 of the TTC37 protein (p.Asn1239Asp). The asparagine residue is moderately conserved and there is a small physicochemical difference between asparagine and aspartic acid.

NM_014639.4(SKIC3):c.3715A>G (p.Asn1239Asp)

Gene: SKIC3 (SKI3 subunit of superkiller complex; minus strand). Cytogenetic location: 5q15.
Variant type: single nucleotide variant.
Coding change: c.3715A>G on transcript NM_014639.4 (MANE Select); coding-DNA position 3715, A replaced by G.
Protein change: p.Asn1239Asp; replaces asparagine 1239 with aspartic acid.
Molecular consequence: missense variant.
Genome position (GRCh38, 1-based): chr5:95,494,769, T>C on the plus strand (A>G on the coding strand, the complement: SKIC3 is on the minus strand). VCF-style: chr5-95494769-T-C. GRCh37 (hg19) VCF-style: chr5-94830473-T-C.
Other names: short protein forms N1239D.
Identifiers: ClinVar variation 1357923 (VCV001357923.6), dbSNP rs1430672858, ClinGen allele CA360448974.